The following is an entry in ClinVar:

NM_003482.4(KMT2D):c.6848A>T (p.Lys2283Met)

Gene: KMT2D (lysine methyltransferase 2D; minus strand). Cytogenetic location: 12q13.12.
Variant type: single nucleotide variant.
Coding change: c.6848A>T on transcript NM_003482.4 (MANE Select); coding-DNA position 6848, A replaced by T.
Protein change: p.Lys2283Met; replaces lysine 2283 with methionine.
Molecular consequence: missense variant.
Genome position (GRCh38, 1-based): chr12:49,040,922, T>A on the plus strand (A>T on the coding strand, the complement: KMT2D is on the minus strand). VCF-style: chr12-49040922-T-A. GRCh37 (hg19) VCF-style: chr12-49434705-T-A.
Other names: short protein forms K2283M.
Identifiers: ClinVar variation 2152153 (VCV002152153.4), dbSNP rs1565795001, ClinGen allele CA384749465.

ClinVar aggregate classification (germline): Uncertain significance (1 of 4 stars; one submission).

Conditions:
Kabuki syndrome. Also called: NIIKAWA-KUROKI SYNDROME; Kabuki make-up syndrome. Identifiers: Orphanet 2322, MedGen C0796004, MONDO:0016512.

Allele frequency attached by ClinVar (database versions not stated): TOPMed 0.00001.

Submission:

Labcorp Genetics (formerly Invitae), Labcorp
Classification: Uncertain significance for Kabuki syndrome. Last evaluated: 2022-09-05. Review status: criteria provided, single submitter. Criteria: Invitae Variant Classification Sherloc (09022015). Collection method: clinical testing. Allele origin: germline.
Comment: This sequence change replaces lysine, which is basic and polar, with methionine, which is neutral and non-polar, at codon 2283 of the KMT2D protein (p.Lys2283Met). This variant is not present in population databases (gnomAD no frequency). This variant has not been reported in the literature in individuals affected with KMT2D-related conditions. Advanced modeling of protein sequence and biophysical properties (such as structural, functional, and spatial information, amino acid conservation, physicochemical variation, residue mobility, and thermodynamic stability) performed at Invitae indicates that this missense variant is not expected to disrupt KMT2D protein function. In summary, the available evidence is currently insufficient to determine the role of this variant in disease. Therefore, it has been classified as a Variant of Uncertain Significance.